The following is an entry in ClinVar:

ClinVar aggregate classification (germline): Likely benign. Review status: criteria provided, single submitter (1 of 4 stars). 2 submissions from 2 submitters: Likely benign (1). 1 of the submissions does not count toward it. Last evaluated 2021-08-05.

Conditions:
Familial cancer of breast. Also called: BREAST CANCER, FAMILIAL; Hereditary breast cancer; hereditary breast carcinoma. Identifiers: Orphanet 227535, MedGen C0346153, MONDO:0016419, OMIM 114480. Disease mechanism: loss of function.

Submissions (2):

Labcorp Genetics (formerly Invitae), Labcorp
Classification: Likely benign for Familial cancer of breast. Last evaluated: 2021-08-05. Review status: criteria provided, single submitter. Criteria: Invitae Variant Classification Sherloc (09022015). Collection method: clinical testing. Allele origin: germline.

Leiden Open Variation Database
Classification: Uncertain significance. Last evaluated: 2018-10-10. Review status: no assertion criteria provided. Collection method: curation. Allele origin: germline. Affected: yes. Not counted in ClinVar's aggregate classification.
Comment: Curators: Marc Tischkowitz, Arleen D. Auerbach. Submitter to LOVD: Yukihide Momozawa.

Literature cited by the submitters: PubMed 30287823 (cited by Leiden Open Variation Database).

NM_024675.4(PALB2):c.369C>T (p.Asp123=)

Gene: PALB2 (partner and localizer of BRCA2; minus strand). Cytogenetic location: 16p12.2.
Variant type: single nucleotide variant.
Coding change: c.369C>T on transcript NM_024675.4 (MANE Select); coding-DNA position 369, C replaced by T.
Protein change: p.Asp123=; no amino-acid change (aspartic acid 123 retained).
Molecular consequence: synonymous variant.
Genome position (GRCh38, 1-based): chr16:23,636,177, G>A on the plus strand (C>T on the coding strand, the complement: PALB2 is on the minus strand). VCF-style: chr16-23636177-G-A. GRCh37 (hg19) VCF-style: chr16-23647498-G-A.
Identifiers: ClinVar variation 830102 (VCV000830102.9), dbSNP rs1967051605, ClinGen allele CA494462247.